The following is an entry in ClinVar:

ClinVar aggregate classification (germline): Uncertain significance (1 of 4 stars; one submission).

gnomAD v4.1: 1 of 1,614,206 alleles (0.000062%); highest among the groups gnomAD compares: Non-Finnish European, 0.000085%; no homozygotes.

Submission:

Labcorp Genetics (formerly Invitae), Labcorp
Classification: Uncertain significance. Last evaluated: 2024-04-29. Review status: criteria provided, single submitter. Criteria: Invitae Variant Classification Sherloc (09022015). Collection method: clinical testing. Allele origin: germline.
Comment: This sequence change replaces lysine, which is basic and polar, with glutamic acid, which is acidic and polar, at codon 1727 of the FN1 protein (p.Lys1727Glu). This variant is not present in population databases (gnomAD no frequency). This variant has not been reported in the literature in individuals affected with FN1-related conditions. An algorithm developed to predict the effect of missense changes on protein structure and function (PolyPhen-2) suggests that this variant is likely to be disruptive. In summary, the available evidence is currently insufficient to determine the role of this variant in disease. Therefore, it has been classified as a Variant of Uncertain Significance.

NM_212482.4(FN1):c.5179A>G (p.Lys1727Glu)

Gene: FN1 (fibronectin 1; minus strand). Cytogenetic location: 2q35.
Variant type: single nucleotide variant.
Coding change: c.5179A>G on transcript NM_212482.4 (MANE Select); coding-DNA position 5179, A replaced by G.
Protein change: p.Lys1727Glu; replaces lysine 1727 with glutamic acid.
Molecular consequence: missense variant. On other transcripts: intron variant (10).
Genome position (GRCh38, 1-based): chr2:215,381,066, T>C on the plus strand (A>G on the coding strand, the complement: FN1 is on the minus strand). VCF-style: chr2-215381066-T-C. GRCh37 (hg19) VCF-style: chr2-216245789-T-C.
Other names: c.4891+1146A>G (NM_001365523.2, NM_001306131.2, NM_212476.3 and 2 more transcripts); c.5164+1146A>G (NM_001306130.2, NM_001365522.2, NM_001365519.2 and 2 more transcripts); c.5179A>G, p.Lys1727Glu (NM_001306129.2); c.4906A>G, p.Lys1636Glu (NM_001365518.2, NM_001365520.2, NM_001365524.2 and 2 more transcripts); short protein forms K1727E, K1636E.
Identifiers: ClinVar variation 3651487 (VCV003651487.2).